The following is an entry in ClinVar:

ClinVar aggregate classification (germline): Uncertain significance (1 of 4 stars; one submission).

gnomAD v4.1: 2 of 1,612,868 alleles (0.00012%); highest among the groups gnomAD compares: Non-Finnish European, 0.00017%; no homozygotes.

Submission:

Labcorp Genetics (formerly Invitae), Labcorp
Classification: Uncertain significance. Last evaluated: 2024-08-08. Review status: criteria provided, single submitter. Criteria: Invitae Variant Classification Sherloc (09022015). Collection method: clinical testing. Allele origin: germline.
Comment: This sequence change falls in intron 7 of the ADCY5 gene. It does not directly change the encoded amino acid sequence of the ADCY5 protein. It affects a nucleotide within the consensus splice site. This variant is not present in population databases (gnomAD no frequency). This variant has not been reported in the literature in individuals affected with ADCY5-related conditions. Variants that disrupt the consensus splice site are a relatively common cause of aberrant splicing (PMID: 17576681, 9536098). Algorithms developed to predict the effect of sequence changes on RNA splicing suggest that this variant may disrupt the consensus splice site. In summary, the available evidence is currently insufficient to determine the role of this variant in disease. Therefore, it has been classified as a Variant of Uncertain Significance.

Literature cited by the submitters: PubMed 17576681; PubMed 9536098.

NM_183357.3(ADCY5):c.1947+5G>A

Gene: ADCY5 (adenylate cyclase 5; minus strand). Cytogenetic location: 3q21.1.
Variant type: single nucleotide variant.
Coding change: c.1947+5G>A on transcript NM_183357.3 (MANE Select); 5 bases into the intron after coding-DNA position 1947, G replaced by A.
Molecular consequence: intron variant.
Genome position (GRCh38, 1-based): chr3:123,327,613, C>T on the plus strand (G>A on the coding strand, the complement: ADCY5 is on the minus strand). VCF-style: chr3-123327613-C-T. GRCh37 (hg19) VCF-style: chr3-123046460-C-T.
Other names: c.1947+5G>A (NM_001378259.1); c.897+5G>A (NM_001199642.1).
Identifiers: ClinVar variation 3669796 (VCV003669796.2).